The following is an entry in ClinVar:

NM_020442.6(VARS2):c.2186-2A>G

Genes: VARS2 (valyl-tRNA synthetase 2, mitochondrial; plus strand), LOC126859646 (MED14-independent group 3 enhancer GRCh37_chr6:30889690-30890889; plus strand). Cytogenetic location: 6p21.33.
Variant type: single nucleotide variant.
Coding change: c.2186-2A>G on transcript NM_020442.6 (MANE Select); the canonical splice acceptor site of the intron before coding-DNA position 2186, A replaced by G.
Molecular consequence: splice acceptor variant.
Genome position (GRCh38, 1-based): chr6:30,923,102, A>G. VCF-style: chr6-30923102-A-G. GRCh37 (hg19) VCF-style: chr6-30890879-A-G.
Other names: c.2276-2A>G (NM_001167734.2); c.1766-2A>G (NM_001167733.3).
Identifiers: ClinVar variation 2020539 (VCV002020539.4), dbSNP rs2538675033, ClinGen allele CA363175037.
Genomic context (GRCh38, chr6:30,923,102, plus strand): 5'-GGGGCAGGACTTCTGGTGCTGCTGCCACCTACATGCAGACTACCTCGATTCTTCCCTTCC[A>G]GCGGGCGACTTGCACCTGTCAGTCTCTGAGGTCCAGAGCTGCCGACATTTCTGCAACAAG-3'

ClinVar aggregate classification (germline): Likely pathogenic (1 of 4 stars; one submission).

Submission:

Labcorp Genetics (formerly Invitae), Labcorp
Classification: Likely pathogenic. Last evaluated: 2022-11-22. Review status: criteria provided, single submitter. Criteria: Invitae Variant Classification Sherloc (09022015). Collection method: clinical testing. Allele origin: germline.
Comment: Algorithms developed to predict the effect of sequence changes on RNA splicing suggest that this variant may disrupt the consensus splice site. This variant has not been reported in the literature in individuals affected with VARS2-related conditions. This variant is not present in population databases (gnomAD no frequency). This sequence change affects an acceptor splice site in intron 23 of the VARS2 gene. It is expected to disrupt RNA splicing. Variants that disrupt the donor or acceptor splice site typically lead to a loss of protein function (PMID: 16199547), and loss-of-function variants in VARS2 are known to be pathogenic (PMID: 29313548). In summary, the currently available evidence indicates that the variant is pathogenic, but additional data are needed to prove that conclusively. Therefore, this variant has been classified as Likely Pathogenic.

Literature cited by the submitters: PubMed 16199547; PubMed 29313548.